The following is an entry in ClinVar:

ClinVar aggregate classification (germline): Uncertain significance. Review status: criteria provided, multiple submitters, no conflicts (2 of 4 stars). 3 submissions from 3 submitters: Uncertain significance (2). 1 of the submissions does not count toward it. Last evaluated 2025-03-31.

Conditions:
TBX3-related disorder. Also called: TBX3-related condition.
Inborn genetic diseases. Identifiers: MedGen C0950123, MeSH D030342.
Ulnar-mammary syndrome (UMS). Also called: SCHINZEL SYNDROME; Ulnar-mammary syndrome of Pallister; PALLISTER ULNAR-MAMMARY SYNDROME. Identifiers: Orphanet 3138, MedGen C1866994, MONDO:0008411, OMIM 181450.

Allele frequency attached by ClinVar (database versions not stated): ExAC 0.00013; ESP Exome Variant Server 0.00024; gnomAD 0.00027; TOPMed 0.00035.

Submissions (3):

Labcorp Genetics (formerly Invitae), Labcorp
Classification: Uncertain significance for Ulnar-mammary syndrome. Last evaluated: 2025-03-31. Review status: criteria provided, single submitter. Criteria: Invitae Variant Classification Sherloc (09022015). Collection method: clinical testing. Allele origin: germline.
Comment: This sequence change replaces threonine, which is neutral and polar, with alanine, which is neutral and non-polar, at codon 638 of the TBX3 protein (p.Thr638Ala). This variant is present in population databases (rs199719014, gnomAD 0.07%), and has an allele count higher than expected for a pathogenic variant. This variant has not been reported in the literature in individuals affected with TBX3-related conditions. ClinVar contains an entry for this variant (Variation ID: 2858422). An algorithm developed to predict the effect of missense changes on protein structure and function (PolyPhen-2) suggests that this variant is likely to be tolerated. In summary, the available evidence is currently insufficient to determine the role of this variant in disease. Therefore, it has been classified as a Variant of Uncertain Significance.

Ambry Genetics
Classification: Uncertain significance for Inborn genetic diseases. Last evaluated: 2024-10-07. Review status: criteria provided, single submitter. Criteria: Ambry Variant Classification Scheme 2023. Collection method: clinical testing. Allele origin: germline.

PreventionGenetics, part of Exact Sciences
Classification: Likely benign for TBX3-related condition. Last evaluated: 2021-08-02. Review status: no assertion criteria provided. Collection method: clinical testing. Allele origin: germline. Not counted in ClinVar's aggregate classification.
Comment: This variant is classified as likely benign based on ACMG/AMP sequence variant interpretation guidelines (Richards et al. 2015 PMID: 25741868, with internal and published modifications).

NM_005996.4(TBX3):c.1912A>G (p.Thr638Ala)

Gene: TBX3 (T-box transcription factor 3; minus strand). Cytogenetic location: 12q24.21.
Variant type: single nucleotide variant.
Coding change: c.1912A>G on transcript NM_005996.4 (MANE Select); coding-DNA position 1912, A replaced by G.
Protein change: p.Thr638Ala; replaces threonine 638 with alanine.
Molecular consequence: missense variant.
Genome position (GRCh38, 1-based): chr12:114,672,101, T>C on the plus strand (A>G on the coding strand, the complement: TBX3 is on the minus strand). VCF-style: chr12-114672101-T-C. GRCh37 (hg19) VCF-style: chr12-115109906-T-C.
Other names: c.1972A>G (NM_016569.3); c.1912A>G (NM_005996.3); c.1972A>G, p.Thr658Ala (NM_016569.4); short protein forms T638A, T658A.
Identifiers: ClinVar variation 2858422 (VCV002858422.6), dbSNP rs199719014, ClinGen allele CA6809825.
Genomic context (GRCh38, chr12:114,672,101, plus strand): 5'-CCAGGGCGGCGACTTTGCCGTCCAGGGGCCCCGCGGCCGCCGCCATGGAGGGCAGGGCGG[T>C]GGTGAGCAGACTGCTGCCGTCCGGGACCGGCACCGGGATGGAGTAGGGGCTGTAGCGCAG-3'
Protein context (NP_005987.3, residues 628-648): PVPDGSSLLT[Thr638Ala]ALPSMAAAAG